The following is an entry in ClinVar:

NM_001009944.3(PKD1):c.11712+8C>T

Gene: PKD1 (polycystin 1, transient receptor potential channel interacting; minus strand). Cytogenetic location: 16p13.3.
Variant type: single nucleotide variant.
Coding change: c.11712+8C>T on transcript NM_001009944.3 (MANE Select); 8 bases into the intron after coding-DNA position 11712, C replaced by T.
Molecular consequence: intron variant.
Genome position (GRCh38, 1-based): chr16:2,091,415, G>A on the plus strand (C>T on the coding strand, the complement: PKD1 is on the minus strand). VCF-style: chr16-2091415-G-A. GRCh37 (hg19) VCF-style: chr16-2141416-G-A.
Other names: c.11709+8C>T (NM_000296.4).
Identifiers: ClinVar variation 3353190 (VCV003353190.2).

ClinVar aggregate classification (germline): Likely benign. Review status: criteria provided, single submitter (1 of 4 stars). 2 submissions from 2 submitters: Likely benign (1). 1 of the submissions does not count toward it. Last evaluated 2025-05-14.

Conditions:
PKD1-related disorder. Also called: PKD1-related condition.

gnomAD v4.1: 26 of 1,142,058 alleles (0.0023%); highest among the groups gnomAD compares: South Asian, 0.0033%; no homozygotes.

Submissions (2):

Women's Health and Genetics/Laboratory Corporation of America, LabCorp
Classification: Likely benign. Last evaluated: 2025-05-14. Review status: criteria provided, single submitter. Criteria: LabCorp Variant Classification Summary - May 2015. Collection method: clinical testing. Allele origin: germline.

PreventionGenetics, part of Exact Sciences
Classification: Likely benign for PKD1-related condition. Last evaluated: 2024-05-10. Review status: no assertion criteria provided. Collection method: clinical testing. Allele origin: germline. Not counted in ClinVar's aggregate classification.
Comment: This variant is classified as likely benign based on ACMG/AMP sequence variant interpretation guidelines (Richards et al. 2015 PMID: 25741868, with internal and published modifications).